The following is an entry in ClinVar:

NM_001033046.4(CYBC1):c.395C>T (p.Thr132Met)

Gene: CYBC1 (cytochrome b-245 chaperone 1; minus strand). Cytogenetic location: 17q25.3.
Variant type: single nucleotide variant.
Coding change: c.395C>T on transcript NM_001033046.4 (MANE Select); coding-DNA position 395, C replaced by T.
Protein change: p.Thr132Met; replaces threonine 132 with methionine.
Molecular consequence: missense variant. On other transcripts: non-coding transcript variant (4).
Genome position (GRCh38, 1-based): chr17:82,444,495, G>A on the plus strand (C>T on the coding strand, the complement: CYBC1 is on the minus strand). VCF-style: chr17-82444495-G-A. GRCh37 (hg19) VCF-style: chr17-80402371-G-A.
Other names: c.395C>T, p.Thr132Met (NM_001100407.3, NM_001193653.2, NM_001193654.2 and 2 more transcripts); c.353C>T, p.Thr118Met (NM_001100408.3); short protein forms T118M, T132M.
Identifiers: ClinVar variation 1682704 (VCV001682704.8), dbSNP rs150070707, ClinGen allele CA8858219.

ClinVar aggregate classification (germline): Uncertain significance (1 of 4 stars; one submission).

Allele frequency attached by ClinVar (database versions not stated): gnomAD exomes 0.00001 and 0.00002; TOPMed 0.00001; ExAC 0.00002; ESP Exome Variant Server 0.00008.

Submission:

Labcorp Genetics (formerly Invitae), Labcorp
Classification: Uncertain significance. Last evaluated: 2025-03-07. Review status: criteria provided, single submitter. Criteria: Invitae Variant Classification Sherloc (09022015). Collection method: clinical testing. Allele origin: germline.
Comment: This sequence change replaces threonine, which is neutral and polar, with methionine, which is neutral and non-polar, at codon 132 of the C17orf62 protein (p.Thr132Met). This variant is present in population databases (rs150070707, gnomAD 0.009%). This variant has not been reported in the literature in individuals affected with C17orf62-related conditions. ClinVar contains an entry for this variant (Variation ID: 1682704). An algorithm developed to predict the effect of missense changes on protein structure and function (PolyPhen-2) suggests that this variant is likely to be disruptive. In summary, the available evidence is currently insufficient to determine the role of this variant in disease. Therefore, it has been classified as a Variant of Uncertain Significance.